The following is an entry in ClinVar:

ClinVar aggregate classification (germline): Benign/Likely benign. Review status: criteria provided, multiple submitters, no conflicts (2 of 4 stars). 10 submissions from 10 submitters: Benign (9); Likely benign (1). Last evaluated 2026-02-04.

Conditions:
Aicardi-Goutieres syndrome 4. Identifiers: Orphanet 51, MedGen C1835912, MONDO:0012472, OMIM 610333.

Allele frequency attached by ClinVar (database versions not stated): ExAC 0.04656; gnomAD exomes 0.04740; 1000 Genomes Project 0.06270; gnomAD 0.06643 and 0.06903; 1000 Genomes Project 30x 0.06871; ESP Exome Variant Server 0.06897; TOPMed 0.07420.
gnomAD v4.1: 63,848 of 1,614,120 alleles (4%); highest among the groups gnomAD compares: African/African-American, 15%; 1,944 homozygotes.

Submissions (10):

Labcorp Genetics (formerly Invitae), Labcorp
Classification: Benign for Aicardi-Goutieres syndrome 4. Last evaluated: 2026-02-04. Review status: criteria provided, single submitter. Criteria: Invitae Variant Classification Sherloc (09022015). Collection method: clinical testing. Allele origin: germline.

Women's Health and Genetics/Laboratory Corporation of America, LabCorp
Classification: Benign. Last evaluated: 2026-01-21. Review status: criteria provided, single submitter. Criteria: LabCorp Variant Classification Summary - May 2015. Collection method: clinical testing. Allele origin: germline.

Blueprint Genetics
Classification: Likely benign. Last evaluated: 2024-11-28. Review status: criteria provided, single submitter. Criteria: ACMG Guidelines, 2015. Collection method: clinical testing. Allele origin: germline.

Unidad de Genómica Garrahan, Hospital de Pediatría Garrahan
Classification: Benign. Last evaluated: 2023-11-12. Review status: criteria provided, single submitter. Criteria: ACMG Guidelines, 2015. Collection method: clinical testing. Allele origin: germline. Affected: no. Observed: 19 variant alleles.
Comment: This variant is classified as Benign based on local population frequency. This variant was detected in 20% of patients studied by a panel of primary immunodeficiencies. Number of patients: 19. Only high quality variants are reported.

Mayo Clinic Laboratories, Mayo Clinic
Classification: Benign. Last evaluated: 2022-09-06. Review status: criteria provided, single submitter. Criteria: ACMG Guidelines, 2015. Collection method: clinical testing. Allele origin: germline. Observed: 59 variant alleles.

Illumina Laboratory Services, Illumina
Classification: Benign for Aicardi-Goutieres syndrome 4. Last evaluated: 2018-01-12. Review status: criteria provided, single submitter. Criteria: ICSL Variant Classification Criteria 13 December 2019. Collection method: clinical testing. Allele origin: germline.
Comment: This variant was observed in the ICSL laboratory as part of a predisposition screen in an ostensibly healthy population. It had not been previously curated by ICSL or reported in the Human Gene Mutation Database (HGMD: prior to June 1st, 2018), and was therefore a candidate for classification through an automated scoring system. Utilizing variant allele frequency, disease prevalence and penetrance estimates, and inheritance mode, an automated score was calculated to assess if this variant is too frequent to cause the disease. Based on the score and internal cut-off values, a variant classified as benign is not then subjected to further curation. The score for this variant resulted in a classification of benign for this disease.

Laboratory for Molecular Medicine, Mass General Brigham Personalized Medicine
Classification: Benign. Last evaluated: 2016-03-29. Review status: criteria provided, single submitter. Criteria: LMM Criteria. Collection method: clinical testing. Allele origin: germline.
Comment: Variant identified in a genome or exome case(s) and assessed due to predicted null impact of the variant or pathogenic assertions in the literature or databases. Disclaimer: This variant has not undergone full assessment. The following are preliminary notes: Frequency

GeneDx
Classification: Benign. Last evaluated: 2015-03-03. Review status: criteria provided, single submitter. Criteria: GeneDx Variant Classification Process June 2021. Collection method: clinical testing. Allele origin: germline. Affected: yes.

Breakthrough Genomics
Classification: Benign. Review status: criteria provided, single submitter. Criteria: ACMG Guidelines, 2015. Collection method: not provided. Allele origin: germline. Inheritance: Autosomal recessive inheritance. Affected: yes.

PreventionGenetics, part of Exact Sciences
Classification: Benign. Review status: criteria provided, single submitter. Criteria: ACMG Guidelines, 2015. Collection method: clinical testing. Allele origin: germline.

NM_006397.3(RNASEH2A):c.462G>A (p.Gln154=)

Gene: RNASEH2A (ribonuclease H2 subunit A; plus strand). Cytogenetic location: 19p13.13.
Variant type: single nucleotide variant.
Coding change: c.462G>A on transcript NM_006397.3 (MANE Select); coding-DNA position 462, G replaced by A.
Protein change: p.Gln154=; no amino-acid change (glutamine 154 retained).
Molecular consequence: synonymous variant.
Genome position (GRCh38, 1-based): chr19:12,810,121, G>A. VCF-style: chr19-12810121-G-A. GRCh37 (hg19) VCF-style: chr19-12920935-G-A.
Other names: p.Gln154=.
Identifiers: ClinVar variation 259972 (VCV000259972.27), dbSNP rs7257575, ClinGen allele CA9231909.